The following is an entry in ClinVar:

NM_000492.4(CFTR):c.494T>C (p.Leu165Ser)

Gene: CFTR (CF transmembrane conductance regulator; plus strand). Cytogenetic location: 7q31.2.
Variant type: single nucleotide variant.
Coding change: c.494T>C on transcript NM_000492.4 (MANE Select); coding-DNA position 494, T replaced by C.
Protein change: p.Leu165Ser; replaces leucine 165 with serine.
Molecular consequence: missense variant.
Genome position (GRCh38, 1-based): chr7:117,534,280, T>C. VCF-style: chr7-117534280-T-C. GRCh37 (hg19) VCF-style: chr7-117174334-T-C.
Other names: short protein forms L165S.
Identifiers: ClinVar variation 53976 (VCV000053976.13), dbSNP rs397508736, ClinGen allele CA327535.

ClinVar aggregate classification (germline): Pathogenic. Review status: reviewed by expert panel (3 of 4 stars). 8 submissions from 8 submitters: Pathogenic (1). 7 of the submissions do not count toward it. Last evaluated 2017-12-08.

Conditions:
CFTR-related disorder (CFTR-RD). Also called: CFTR-related condition; CFTR-related disorders. Identifiers: MedGen C5924204, MONDO:7770004.
Bronchiectasis with or without elevated sweat chloride 1 (BESC1). Also called: Cystic Fibrosis-Like Syndrome. Identifiers: Orphanet 60033, MedGen C2749757, MONDO:0008887, OMIM 211400.
Congenital bilateral aplasia of vas deferens from CFTR mutation (CBAVD). Identifiers: Orphanet 48, MedGen C0403814, MONDO:0010178, OMIM 277180. Disease mechanism: loss of function.
Cystic fibrosis (CF). Also called: MUCOVISCIDOSIS. Identifiers: Orphanet 586, MedGen C0010674, MONDO:0009061, OMIM 219700. Disease mechanism: loss of function.
Hereditary pancreatitis (PCTT). Also called: PRSS1-Related Hereditary Pancreatitis; Hereditary chronic pancreatitis. Identifiers: Orphanet 676, MedGen C0238339, MONDO:0008185, OMIM 167800.

Allele frequency attached by ClinVar (database versions not stated): TOPMed below 0.00001; gnomAD exomes below 0.00001.
gnomAD v4.1: 6 of 1,551,098 alleles (0.00039%); highest among the groups gnomAD compares: Non-Finnish European, 0.00053%; no homozygotes.

Submissions (8):

CFTR2
Classification: Pathogenic for Cystic fibrosis. Last evaluated: 2017-12-08. Review status: reviewed by expert panel. Criteria: Sosnay PR et al. (Nat Genet 2013). Collection method: research. Allele origin: germline. Affected: yes.

Natera, Inc.
Classification: Pathogenic for CFTR-related disorders. Last evaluated: 2025-08-15. Review status: criteria provided, single submitter. Criteria: Natera Variant Classification Schema (03/2026). Collection method: clinical testing. Allele origin: germline. Not counted in ClinVar's aggregate classification.
Comment: The c.494T>C variant in CFTR is a missense variant predicted to cause substitution of leucine to serine at amino acid 165. This variant is rare in the general population with a frequency below the threshold expected for the associated phenotype(s). This variant has been observed in one or more individuals affected with the associated recessive disease, as either homozygous or compound heterozygous with a second variant (PMID: 27086061, 30888834). Functional studies show that this variant may disrupt protein function (PMID: 29805046). Computational prediction algorithms indicate this variant is likely to affect gene or protein function. Given the available evidence, this variant is classified as Pathogenic.

GeneDx
Classification: Pathogenic. Last evaluated: 2025-07-09. Review status: criteria provided, single submitter. Criteria: GeneDx Variant Classification Process June 2021. Collection method: clinical testing. Allele origin: germline. Affected: yes. Not counted in ClinVar's aggregate classification.
Comment: Observed with a second CF-causing variant in patients with cystic fibrosis, but it not known whether the variants occurred on the same (in cis) or on different (in trans) alleles in some cases (PMID: 27086061, 28603918, 19318346); Published functional studies demonstrate this variant to impact function similar to other known CF-causing variants (PMID: 29805046); Not observed at significant frequency in large population cohorts (gnomAD); In silico analysis supports that this missense variant has a deleterious effect on protein structure/function; This variant is associated with the following publications: (PMID: 28830496, 20059485, 10923036, 15948195, 39841779, 28603918, 27086061, 35934641, 11379874, 34583889, 37253358, 23790242, 30888834, 38388235, 39026768, 11897640, 19318346, 29805046)

Ambry Genetics
Classification: Pathogenic for Cystic fibrosis. Last evaluated: 2024-05-22. Review status: criteria provided, single submitter. Criteria: Ambry Variant Classification Scheme 2023. Collection method: clinical testing. Allele origin: germline. Not counted in ClinVar's aggregate classification.
Comment: The p.L165S pathogenic mutation (also known as c.494T>C), located in coding exon 5 of the CFTR gene, results from a T to C substitution at nucleotide position 494. The leucine at codon 165 is replaced by serine, an amino acid with dissimilar properties. This variant has been identified in the homozygous state and/or in conjunction with other CFTR variant(s) in individual(s) who met clinical criteria for cystic fibrosis; in at least one instance, the variants were identified in trans (Calcedo R et al. Hum Gene Ther Clin Dev, 2013 Sep;24:108-15; Gaitch N et al. Pancreatology Apr;2016:515-22; De Wachter E et al. Orphanet J Rare Dis, 2017 Aug;12:142). This variant has also been reported in multiple individuals with an elevated sweat chloride level and has <10% of wild type function in The Clinical and Functional TRanslation of CFTR (CFTR2) database (available at CFTR2. Accessed 05/20/2024; Raraigh KS et al. Am J Hum Genet, 2018 Jun;102:1062-1077). This variant is considered to be rare based on population cohorts in the Genome Aggregation Database (gnomAD). This amino acid position is highly conserved in available vertebrate species. In addition, this alteration is predicted to be deleterious by in silico analysis. Based on the supporting evidence, this variant is interpreted as a disease-causing mutation.

Fulgent Genetics
Classification: Pathogenic for Hereditary pancreatitis; Bronchiectasis with or without elevated sweat chloride 1; Cystic fibrosis; Congenital bilateral aplasia of vas deferens from CFTR mutation. Last evaluated: 2024-03-11. Review status: criteria provided, single submitter. Criteria: ACMG Guidelines, 2015. Collection method: clinical testing. Allele origin: germline. Not counted in ClinVar's aggregate classification.

Women's Health and Genetics/Laboratory Corporation of America, LabCorp
Classification: Pathogenic for Cystic fibrosis. Last evaluated: 2024-03-09. Review status: criteria provided, single submitter. Criteria: LabCorp Variant Classification Summary - May 2015. Collection method: clinical testing. Allele origin: germline. Not counted in ClinVar's aggregate classification.
Comment: Variant summary: CFTR c.494T>C (p.Leu165Ser) results in a non-conservative amino acid change located in the ABC transporter type 1, transmembrane domain (IPR011527) of the encoded protein sequence. Five of five in-silico tools predict a damaging effect of the variant on protein function. The variant was absent in 249460 control chromosomes. c.494T>C has been reported in the literature as a compound heterozygous genotype in multiple individuals affected with Cystic Fibrosis enrolled in the Clinical and Functional Translation of CFTR (CFTR2) project (example, McCague_2019). These data indicate that the variant is very likely to be associated with disease. The following publication have been ascertained in the context of this evaluation (PMID: 30888834). ClinVar contains an entry for this variant (Variation ID: 53976). Based on the evidence outlined above, the variant was classified as pathogenic.

CFTR-France
Classification: Pathogenic for cystic fibrosis. Last evaluated: 2018-01-29. Review status: criteria provided, single submitter. Criteria: Claustres M et al. (Hum Mutat 2017). Collection method: curation. Allele origin: germline. Affected: yes. Not counted in ClinVar's aggregate classification.

ClinVar Staff, National Center for Biotechnology Information (NCBI)
No classification provided. Condition: CFTR-related disorders. Review status: no classification provided. Collection method: literature only. Allele origin: germline. Affected: yes. Not counted in ClinVar's aggregate classification.

Literature cited by the submitters: PubMed 27086061 (cited by Natera, Inc. and Ambry Genetics); PubMed 30888834 (cited by Natera, Inc. and Women's Health and Genetics/Laboratory Corporation of America, LabCorp); PubMed 29805046 (cited by Natera, Inc. and Ambry Genetics); PubMed 10923036 (cited by Ambry Genetics); PubMed 15948195 (cited by Ambry Genetics); PubMed 19318346 (cited by Ambry Genetics); PubMed 23790242 (cited by Ambry Genetics); PubMed 28830496 (cited by Ambry Genetics); PubMed 20059485 (cited by ClinVar Staff, National Center for Biotechnology Information (NCBI)).